The following is an entry in ClinVar:

NM_001394062.1(MACF1):c.1148del (p.Gly383fs)

Gene: MACF1 (microtubule actin crosslinking factor 1; plus strand). Cytogenetic location: 1p34.3.
Variant type: Deletion.
Coding change: c.1148del on transcript NM_001394062.1 (MANE Select); coding-DNA position 1148, one base deleted (G; older notation c.1148delG).
Protein change: p.Gly383fs; shifts the reading frame from glycine 383.
Molecular consequence: frameshift variant.
Genome position (GRCh38, 1-based): chr1:39,285,099, G deleted; the last of 2 consecutive G bases (chr1:39,285,098-39,285,099); deleting either gives the same sequence. VCF-style (leftmost placement, unchanged base first): chr1-39285097-TG-T. GRCh37 (hg19) VCF-style: chr1-39750769-TG-T.
Other names: c.1163del, p.Gly388fs (NM_012090.5); short protein forms G383fs, G388fs.
Identifiers: ClinVar variation 1710435 (VCV001710435.3), dbSNP rs2521376012, ClinGen allele CA2580062710.

ClinVar aggregate classification (germline): Uncertain significance (1 of 4 stars; one submission).

Submission:

Greenwood Genetic Center Diagnostic Laboratories, Greenwood Genetic Center
Classification: Uncertain significance. Last evaluated: 2022-07-18. Review status: criteria provided, single submitter. Criteria: ACMG Guidelines, 2015. Collection method: clinical testing. Allele origin: germline. Affected: yes.
Comment: PM2 (unclear if LOF is mechanism)